The following is an entry in ClinVar:

NM_000540.3(RYR1):c.954C>T (p.Ser318=)

Gene: RYR1 (ryanodine receptor 1; plus strand). Cytogenetic location: 19q13.2.
Variant type: single nucleotide variant.
Coding change: c.954C>T on transcript NM_000540.3 (MANE Select); coding-DNA position 954, C replaced by T.
Protein change: p.Ser318=; no amino-acid change (serine 318 retained).
Molecular consequence: synonymous variant.
Genome position (GRCh38, 1-based): chr19:38,448,508, C>T. VCF-style: chr19-38448508-C-T. GRCh37 (hg19) VCF-style: chr19-38939148-C-T.
Other names: c.954C>T, p.Ser318= (NM_001042723.2).
Identifiers: ClinVar variation 3387632 (VCV003387632.1).

ClinVar aggregate classification (germline): Likely benign (1 of 4 stars; one submission).

Conditions:
Malignant hyperthermia, susceptibility to, 1 (MHS1). Also called: Anesthesia related hyperthermia; Malignant hyperpyrexia; Fulminating hyperpyrexia; Pharmacogenic myopathy; RYR1-Related Malignant Hyperthermia Susceptibility; Malignant hyperthermia suceptibility 1. Identifiers: Orphanet 423, MedGen C2930980, MONDO:0007783, OMIM 145600.

Submission:

All of Us Research Program, National Institutes of Health
Classification: Likely benign for Malignant hyperthermia, susceptibility to, 1. Last evaluated: 2024-07-20. Review status: criteria provided, single submitter. Criteria: ACMG Guidelines, 2015. Collection method: clinical testing. Allele origin: germline. Inheritance: Autosomal dominant inheritance. Observed: 1 variant allele, 1 heterozygote.
Comment: This study involves interpretation of variants in research participants for the purpose of population health screening. Participant phenotype was not available at the time of variant classification. Additional details can be found in publication PMID: 35346344, PMCID: PMC8962531